The following is an entry in ClinVar:

NM_000152.5(GAA):c.782C>T (p.Ala261Val)

Gene: GAA (alpha glucosidase; plus strand). Cytogenetic location: 17q25.3.
Variant type: single nucleotide variant.
Coding change: c.782C>T on transcript NM_000152.5 (MANE Select); coding-DNA position 782, C replaced by T.
Protein change: p.Ala261Val; replaces alanine 261 with valine.
Molecular consequence: missense variant.
Genome position (GRCh38, 1-based): chr17:80,107,646, C>T. VCF-style: chr17-80107646-C-T. GRCh37 (hg19) VCF-style: chr17-78081445-C-T.
Other names: c.782C>T, p.Ala261Val (NM_001079803.3, NM_001079804.3); short protein forms A261V.
Identifiers: ClinVar variation 1403931 (VCV001403931.8), dbSNP rs2143846719, ClinGen allele CA401363456.
Genomic context (GRCh38, chr17:80,107,646, plus strand): 5'-TTGCGGACCAGTTCCTTCAGCTGTCCACCTCGCTGCCCTCGCAGTATATCACAGGCCTCG[C>T]CGAGCACCTCAGTCCCCTGATGCTCAGCACCAGCTGGACCAGGATCACCCTGTGGAACCG-3'
Protein context (NP_000143.2, residues 251-271): SLPSQYITGL[Ala261Val]EHLSPLMLST

ClinVar aggregate classification (germline): Uncertain significance (1 of 4 stars; one submission).

Conditions:
Glycogen storage disease, type II (IOPD). Also called: Pompe Disease; Glycogen storage disease type 2; Acid maltase deficiency disease; Aglucosidase alfa; Deficiency of alpha-glucosidase; Deficiency of lysosomal alpha-glucosidase. Identifiers: Orphanet 365, MedGen C0017921, MONDO:0009290, OMIM 232300.

Submission:

Labcorp Genetics (formerly Invitae), Labcorp
Classification: Uncertain significance for Glycogen storage disease, type II. Last evaluated: 2022-11-08. Review status: criteria provided, single submitter. Criteria: Invitae Variant Classification Sherloc (09022015). Collection method: clinical testing. Allele origin: germline.
Comment: This variant has not been reported in the literature in individuals affected with GAA-related conditions. In summary, the available evidence is currently insufficient to determine the role of this variant in disease. Therefore, it has been classified as a Variant of Uncertain Significance. This variant disrupts the p.Ala261 amino acid residue in GAA. Other variant(s) that disrupt this residue have been determined to be pathogenic (PMID: 31510962). This suggests that this residue is clinically significant, and that variants that disrupt this residue are likely to be disease-causing. Advanced modeling of protein sequence and biophysical properties (such as structural, functional, and spatial information, amino acid conservation, physicochemical variation, residue mobility, and thermodynamic stability) has been performed at Invitae for this missense variant, however the output from this modeling did not meet the statistical confidence thresholds required to predict the impact of this variant on GAA protein function. ClinVar contains an entry for this variant (Variation ID: 1403931). This variant is not present in population databases (gnomAD no frequency). This sequence change replaces alanine, which is neutral and non-polar, with valine, which is neutral and non-polar, at codon 261 of the GAA protein (p.Ala261Val).

Literature cited by the submitters: PubMed 31510962.